The following is an entry in ClinVar:

ClinVar aggregate classification (germline): Likely benign (0 of 4 stars; one submission).

Conditions:
SLC6A4-related disorder. Also called: SLC6A4-related condition.

Allele frequency attached by ClinVar (database versions not stated): ExAC 0.00002; TOPMed 0.00003; gnomAD 0.00005; ESP Exome Variant Server 0.00008; gnomAD exomes 0.00011.
gnomAD v4.1: 175 of 1,609,304 alleles (0.011%); highest among the groups gnomAD compares: Non-Finnish European, 0.013%; no homozygotes.

Submission:

PreventionGenetics, part of Exact Sciences
Classification: Likely benign for SLC6A4-related condition. Last evaluated: 2020-07-09. Review status: no assertion criteria provided. Collection method: clinical testing. Allele origin: germline.
Comment: This variant is classified as likely benign based on ACMG/AMP sequence variant interpretation guidelines (Richards et al. 2015 PMID: 25741868, with internal and published modifications).

NM_001045.6(SLC6A4):c.1818+4C>T

Gene: SLC6A4 (solute carrier family 6 member 4; minus strand). Cytogenetic location: 17q11.2.
Variant type: single nucleotide variant.
Coding change: c.1818+4C>T on transcript NM_001045.6 (MANE Select); 4 bases into the intron after coding-DNA position 1818, C replaced by T.
Molecular consequence: intron variant.
Genome position (GRCh38, 1-based): chr17:30,203,168, G>A on the plus strand (C>T on the coding strand, the complement: SLC6A4 is on the minus strand). VCF-style: chr17-30203168-G-A. GRCh37 (hg19) VCF-style: chr17-28530186-G-A.
Identifiers: ClinVar variation 3049771 (VCV003049771.2), dbSNP rs200343866, ClinGen allele CA8480035.